The following is an entry in ClinVar:

ClinVar aggregate classification (germline): Uncertain significance (1 of 4 stars; one submission).

Conditions:
LEPR-related disorder. Also called: LEPR-related disorders; LEPR-related condition.

gnomAD v4.1: 36 of 1,613,160 alleles (0.0022%); highest among the groups gnomAD compares: Admixed American, 0.012%; 1 homozygote.

Submission:

PreventionGenetics, part of Exact Sciences
Classification: Uncertain significance for LEPR-related condition. Last evaluated: 2024-12-23. Review status: criteria provided, single submitter. Criteria: ACMG Guidelines, 2015. Collection method: clinical testing. Allele origin: germline.
Comment: The LEPR c.619G>A variant is predicted to result in the amino acid substitution p.Asp207Asn. This variant was observed in a cohort of individuals with obesity, and in vitro functional studies showed function similar to wild-type levels (Supplemental Data Set, Shah et al. 2023. PubMed ID: 36864747). This variant is reported in 0.0087% of alleles in individuals of Latino descent in gnomAD. At this time, the clinical significance of this variant is uncertain due to the absence of conclusive functional and genetic evidence.

NM_002303.6(LEPR):c.619G>A (p.Asp207Asn)

Gene: LEPR (leptin receptor; plus strand). Cytogenetic location: 1p31.3.
Variant type: single nucleotide variant.
Coding change: c.619G>A on transcript NM_002303.6 (MANE Select); coding-DNA position 619, G replaced by A.
Protein change: p.Asp207Asn; replaces aspartic acid 207 with asparagine.
Molecular consequence: missense variant.
Genome position (GRCh38, 1-based): chr1:65,592,781, G>A. VCF-style: chr1-65592781-G-A. GRCh37 (hg19) VCF-style: chr1-66058464-G-A.
Other names: c.619G>A, p.Asp207Asn (NM_001003679.3, NM_001003680.3, NM_001198687.2 and 2 more transcripts); short protein forms D207N.
Identifiers: ClinVar variation 3355852 (VCV003355852.2).